The following is an entry in ClinVar:

NM_019074.4(DLL4):c.1670T>G (p.Leu557Arg)

Gene: DLL4 (delta like canonical Notch ligand 4; plus strand). Cytogenetic location: 15q15.1.
Variant type: single nucleotide variant.
Coding change: c.1670T>G on transcript NM_019074.4 (MANE Select); coding-DNA position 1670, T replaced by G.
Protein change: p.Leu557Arg; replaces leucine 557 with arginine.
Molecular consequence: missense variant.
Genome position (GRCh38, 1-based): chr15:40,936,657, T>G. VCF-style: chr15-40936657-T-G. GRCh37 (hg19) VCF-style: chr15-41228855-T-G.
Other names: c.1670T>G (NM_019074.3); short protein forms L557R.
Identifiers: ClinVar variation 1486439 (VCV001486439.9), dbSNP rs776875287, ClinGen allele CA7487975.

ClinVar aggregate classification (germline): Uncertain significance. Review status: criteria provided, multiple submitters, no conflicts (2 of 4 stars). 2 submissions from 2 submitters: Uncertain significance (2). Last evaluated 2024-12-10.

Conditions:
Inborn genetic diseases. Identifiers: MedGen C0950123, MeSH D030342.

Allele frequency attached by ClinVar (database versions not stated): ExAC 0.00001; gnomAD 0.00001; gnomAD exomes 0.00001.
gnomAD v4.1: 6 of 1,612,254 alleles (0.00037%); highest among the groups gnomAD compares: Non-Finnish European, 0.00042%; no homozygotes.

Submissions (2):

Ambry Genetics
Classification: Uncertain significance for Inborn genetic diseases. Last evaluated: 2024-12-10. Review status: criteria provided, single submitter. Criteria: Ambry Variant Classification Scheme 2023. Collection method: clinical testing. Allele origin: germline.

Labcorp Genetics (formerly Invitae), Labcorp
Classification: Uncertain significance. Last evaluated: 2024-02-17. Review status: criteria provided, single submitter. Criteria: Invitae Variant Classification Sherloc (09022015). Collection method: clinical testing. Allele origin: germline.
Comment: This sequence change replaces leucine, which is neutral and non-polar, with arginine, which is basic and polar, at codon 557 of the DLL4 protein (p.Leu557Arg). This variant is present in population databases (rs776875287, gnomAD 0.002%). This variant has not been reported in the literature in individuals affected with DLL4-related conditions. ClinVar contains an entry for this variant (Variation ID: 1486439). Advanced modeling of protein sequence and biophysical properties (such as structural, functional, and spatial information, amino acid conservation, physicochemical variation, residue mobility, and thermodynamic stability) performed at Invitae indicates that this missense variant is not expected to disrupt DLL4 protein function with a negative predictive value of 80%. In summary, the available evidence is currently insufficient to determine the role of this variant in disease. Therefore, it has been classified as a Variant of Uncertain Significance.